The following is an entry in ClinVar:

ClinVar aggregate classification (germline): Uncertain significance (1 of 4 stars; one submission).

Conditions:
Hereditary spastic paraplegia 74. Also called: Spastic paraplegia 74, autosomal recessive. Identifiers: Orphanet 468661, MedGen C5568837, MONDO:0014644, OMIM 616451.
Multiple mitochondrial dysfunctions syndrome 3 (MMDS3). Identifiers: Orphanet 363424, MedGen C3809165, MONDO:0014132, OMIM 615330.

Allele frequency attached by ClinVar (database versions not stated): gnomAD 0.00002; gnomAD exomes 0.00002; TOPMed 0.00002.

Submission:

Labcorp Genetics (formerly Invitae), Labcorp
Classification: Uncertain significance for Multiple mitochondrial dysfunctions syndrome 3; Hereditary spastic paraplegia 74. Last evaluated: 2022-04-20. Review status: criteria provided, single submitter. Criteria: Invitae Variant Classification Sherloc (09022015). Collection method: clinical testing. Allele origin: germline.
Comment: This sequence change replaces methionine, which is neutral and non-polar, with valine, which is neutral and non-polar, at codon 272 of the IBA57 protein (p.Met272Val). This variant is present in population databases (no rsID available, gnomAD 0.006%). This variant has not been reported in the literature in individuals affected with IBA57-related conditions. Algorithms developed to predict the effect of missense changes on protein structure and function are either unavailable or do not agree on the potential impact of this missense change (SIFT: "Deleterious"; PolyPhen-2: "Benign"; Align-GVGD: "Class C0"). In summary, the available evidence is currently insufficient to determine the role of this variant in disease. Therefore, it has been classified as a Variant of Uncertain Significance.

NM_001010867.4(IBA57):c.814A>G (p.Met272Val)

Gene: IBA57 (iron-sulfur cluster assembly factor IBA57; plus strand). Cytogenetic location: 1q42.13.
Variant type: single nucleotide variant.
Coding change: c.814A>G on transcript NM_001010867.4 (MANE Select); coding-DNA position 814, A replaced by G.
Protein change: p.Met272Val; replaces methionine 272 with valine.
Molecular consequence: missense variant.
Genome position (GRCh38, 1-based): chr1:228,175,256, A>G. VCF-style: chr1-228175256-A-G. GRCh37 (hg19) VCF-style: chr1-228362957-A-G.
Other names: c.235A>G, p.Met79Val (NM_001310327.2); short protein forms M272V, M79V.
Identifiers: ClinVar variation 1989838 (VCV001989838.1), dbSNP rs996109813, ClinGen allele CA38742252.